The following is an entry in ClinVar:

NM_005732.4(RAD50):c.2470A>G (p.Thr824Ala)

Gene: RAD50 (RAD50 double strand break repair protein; plus strand). Cytogenetic location: 5q31.1.
Variant type: single nucleotide variant.
Coding change: c.2470A>G on transcript NM_005732.4 (MANE Select); coding-DNA position 2470, A replaced by G.
Protein change: p.Thr824Ala; replaces threonine 824 with alanine.
Molecular consequence: missense variant.
Genome position (GRCh38, 1-based): chr5:132,603,992, A>G. VCF-style: chr5-132603992-A-G. GRCh37 (hg19) VCF-style: chr5-131939684-A-G.
Other names: short protein forms T824A.
Identifiers: ClinVar variation 2778211 (VCV002778211.3), dbSNP rs2479666275, ClinGen allele CA360955678.

ClinVar aggregate classification (germline): Uncertain significance (1 of 4 stars; one submission).

Conditions:
Hereditary cancer-predisposing syndrome. Also called: Neoplastic Syndromes, Hereditary; Tumor predisposition; Hereditary Cancer Syndrome; Hereditary neoplastic syndrome. Identifiers: Orphanet 140162, MedGen C0027672, MeSH D009386, MONDO:0015356.

Submission:

Labcorp Genetics (formerly Invitae), Labcorp
Classification: Uncertain significance for Hereditary cancer-predisposing syndrome. Last evaluated: 2025-07-31. Review status: criteria provided, single submitter. Criteria: Invitae Variant Classification Sherloc (09022015). Collection method: clinical testing. Allele origin: germline.
Comment: This sequence change replaces threonine, which is neutral and polar, with alanine, which is neutral and non-polar, at codon 824 of the RAD50 protein (p.Thr824Ala). This variant is not present in population databases (gnomAD no frequency). This variant has not been reported in the literature in individuals affected with RAD50-related conditions. ClinVar contains an entry for this variant (Variation ID: 2778211). Invitae Evidence Modeling of protein sequence and biophysical properties (such as structural, functional, and spatial information, amino acid conservation, physicochemical variation, residue mobility, and thermodynamic stability) indicates that this missense variant is expected to disrupt RAD50 protein function with a positive predictive value of 80%. In summary, the available evidence is currently insufficient to determine the role of this variant in disease. Therefore, it has been classified as a Variant of Uncertain Significance.